The following is an entry in ClinVar:

ClinVar aggregate classification (germline): Uncertain significance (1 of 4 stars; one submission).

Conditions:
Ataxia-telangiectasia syndrome (AT). Also called: Ataxia-telangiectasia, complementation group D; AT, COMPLEMENTATION GROUP C; ATAXIA-TELANGIECTASIA, COMPLEMENTATION GROUP A; ATAXIA-TELANGIECTASIA, FRESNO VARIANT; Ataxia-telangiectasia, complementation group E; LOUIS-BAR SYNDROME. Identifiers: Orphanet 100, MedGen C0004135, MONDO:0008840, OMIM 208900.

Submission:

Labcorp Genetics (formerly Invitae), Labcorp
Classification: Uncertain significance for Ataxia-telangiectasia syndrome. Last evaluated: 2022-09-08. Review status: criteria provided, single submitter. Criteria: Invitae Variant Classification Sherloc (09022015). Collection method: clinical testing. Allele origin: germline.
Comment: This sequence change replaces glutamic acid, which is acidic and polar, with aspartic acid, which is acidic and polar, at codon 2164 of the ATM protein (p.Glu2164Asp). This variant is not present in population databases (gnomAD no frequency). This variant has not been reported in the literature in individuals affected with ATM-related conditions. Advanced modeling of protein sequence and biophysical properties (such as structural, functional, and spatial information, amino acid conservation, physicochemical variation, residue mobility, and thermodynamic stability) performed at Invitae indicates that this missense variant is not expected to disrupt ATM protein function. Algorithms developed to predict the effect of sequence changes on RNA splicing suggest that this variant may create or strengthen a splice site. In summary, the available evidence is currently insufficient to determine the role of this variant in disease. Therefore, it has been classified as a Variant of Uncertain Significance.

NM_000051.4(ATM):c.6492G>C (p.Glu2164Asp)

Genes: ATM (ATM serine/threonine kinase; plus strand), C11orf65 (chromosome 11 open reading frame 65; minus strand). Cytogenetic location: 11q22.3.
Variant type: single nucleotide variant.
Coding change: c.6492G>C on transcript NM_000051.4 (MANE Select); coding-DNA position 6492, G replaced by C.
Protein change: p.Glu2164Asp; replaces glutamic acid 2164 with aspartic acid.
Molecular consequence: missense variant. On other transcripts: intron variant (2).
Genome position (GRCh38, 1-based): chr11:108,321,340, G>C. VCF-style: chr11-108321340-G-C. GRCh37 (hg19) VCF-style: chr11-108192067-G-C.
Other names: c.6492G>C, p.Glu2164Asp (NM_001351834.2); c.641-12269C>G (NM_001330368.2); c.*39-12269C>G (NM_001351110.2); short protein forms E2164D.
Identifiers: ClinVar variation 1938760 (VCV001938760.4), dbSNP rs2136239707, ClinGen allele CA382554024.
Genomic context (GRCh38, chr11:108,321,340, plus strand): 5'-TCTTTTCTTTTTTGCTACTAGAGTAAAAGAAGTGGAAGAGATGTGTAAGCGCAGCCTTGA[G>C]TCTGTGTATTCGCTCTATCCCACACTTAGCAGGTTGCAGGCCATTGGAGAGCTGGAAAGC-3'
Protein context (NP_000042.3, residues 2154-2174): EVEEMCKRSL[Glu2164Asp]SVYSLYPTLS